The following is an entry in ClinVar:

NM_001385012.1(NBEA):c.1680+3A>G

Gene: NBEA (neurobeachin; plus strand). Cytogenetic location: 13q13.3.
Variant type: single nucleotide variant.
Coding change: c.1680+3A>G on transcript NM_001385012.1 (MANE Select); 3 bases into the intron after coding-DNA position 1680, A replaced by G.
Molecular consequence: intron variant.
Genome position (GRCh38, 1-based): chr13:35,098,408, A>G. VCF-style: chr13-35098408-A-G. GRCh37 (hg19) VCF-style: chr13-35672545-A-G.
Other names: c.1680+3A>G (NM_015678.5, NM_001379245.1).
Identifiers: ClinVar variation 3402924 (VCV003402924.1).
Genomic context (GRCh38, chr13:35,098,408, plus strand): 5'-GCAAGAACAGATGCTGGGTGGAAAAGGCTTTTTAGTCATTGGCTACTTACTTGAAAAGGT[A>G]AGTGATATGTGTTGATGGTTTTATTGTGTAGCTTCACAGTTGGACAGCTGTTAATCACTA-3'

ClinVar aggregate classification (germline): Uncertain significance (1 of 4 stars; one submission).

Conditions:
Inborn genetic diseases. Identifiers: MedGen C0950123, MeSH D030342.

Submission:

Ambry Genetics
Classification: Uncertain significance for Inborn genetic diseases. Last evaluated: 2024-07-30. Review status: criteria provided, single submitter. Criteria: Ambry Variant Classification Scheme 2023. Collection method: clinical testing. Allele origin: germline.
Comment: The c.1680+3A>G intronic alteration results from an A to G substitution 3 nucleotides after coding exon 11 of the NBEA gene. This variant was not reported in population-based cohorts in the Genome Aggregation Database (gnomAD). This nucleotide position is highly conserved in available vertebrate species. In silico splice site analysis predicts that this alteration will not have any significant effect on splicing. Based on insufficient or conflicting evidence, the clinical significance of this alteration remains unclear.